The following is an entry in ClinVar:

ClinVar aggregate classification (germline): Uncertain significance. Review status: criteria provided, multiple submitters, no conflicts (2 of 4 stars). 3 submissions from 3 submitters: Uncertain significance (3). Last evaluated 2026-04-03.

Conditions:
TTN-related disorder. Also called: TTN-related condition; TTN-related disease; TTN-related disorders.

Allele frequency attached by ClinVar (database versions not stated): gnomAD exomes below 0.00001; gnomAD 0.00001; TOPMed 0.00001.
gnomAD v4.1: 4 of 1,606,694 alleles (0.00025%); highest among the groups gnomAD compares: African/African-American, 0.0054%; no homozygotes.

Submissions (3):

PreventionGenetics, part of Exact Sciences
Classification: Uncertain significance for TTN-related condition. Last evaluated: 2026-04-03. Review status: criteria provided, single submitter. Criteria: ACMG Guidelines, 2015. Collection method: clinical testing. Allele origin: germline.
Comment: The TTN c.65786A>G variant is predicted to result in the amino acid substitution p.Lys21929Arg. To our knowledge, this variant has not been reported in the literature. This variant is reported in 0.0065% of alleles in individuals of African descent in gnomAD. At this time, the clinical significance of this variant is uncertain due to the absence of conclusive functional and genetic evidence.

Athena Diagnostics
Classification: Uncertain significance. Last evaluated: 2023-08-10. Review status: criteria provided, single submitter. Criteria: Athena Diagnostics Criteria. Collection method: clinical testing. Allele origin: unknown.
Comment: Available data are insufficient to determine the clinical significance of the variant at this time. The frequency of this variant in the general population is uninformative in assessment of its pathogenicity. Computational tools disagree on the variant's effect on normal protein function.

Eurofins Ntd Llc (ga)
Classification: Uncertain significance. Last evaluated: 2016-11-15. Review status: criteria provided, single submitter. Criteria: EGL Classification Definitions 2015. Collection method: clinical testing. Allele origin: germline. Observed: 1 variant allele, 1 heterozygote.

NM_001267550.2(TTN):c.65786A>G (p.Lys21929Arg)

Genes: TTN (titin; minus strand), TTN-AS1 (TTN antisense RNA 1; plus strand). Cytogenetic location: 2q31.2.
Variant type: single nucleotide variant.
Coding change: c.65786A>G on transcript NM_001267550.2 (MANE Select); coding-DNA position 65786, A replaced by G.
Protein change: p.Lys21929Arg; replaces lysine 21929 with arginine.
Molecular consequence: missense variant. On other transcripts: non-coding transcript variant (1).
Genome position (GRCh38, 1-based): chr2:178,583,017, T>C on the plus strand (A>G on the coding strand, the complement: TTN is on the minus strand). VCF-style: chr2-178583017-T-C. GRCh37 (hg19) VCF-style: chr2-179447744-T-C.
Other names: c.60863A>G, p.Lys20288Arg (NM_001256850.1); c.38591A>G, p.Lys12864Arg (NM_003319.4); c.58082A>G, p.Lys19361Arg (NM_133378.4); c.38966A>G, p.Lys12989Arg (NM_133432.3); c.39167A>G, p.Lys13056Arg (NM_133437.4); c.65786A>G (NM_001267550.1); short protein forms K19361R, K21929R, K12989R, K13056R, K12864R, K20288R.
Identifiers: ClinVar variation 498060 (VCV000498060.7), dbSNP rs1465791266, ClinGen allele CA349432673.